The following is an entry in ClinVar:

ClinVar aggregate classification (germline): Uncertain significance (1 of 4 stars; one submission).

Submission:

Labcorp Genetics (formerly Invitae), Labcorp
Classification: Uncertain significance. Last evaluated: 2021-04-16. Review status: criteria provided, single submitter. Criteria: Invitae Variant Classification Sherloc (09022015). Collection method: clinical testing. Allele origin: germline.
Comment: In summary, the available evidence is currently insufficient to determine the role of this variant in disease. Therefore, it has been classified as a Variant of Uncertain Significance. This sequence change replaces alanine with glycine at codon 671 of the TWNK protein (p.Ala671Gly). The alanine residue is weakly conserved and there is a small physicochemical difference between alanine and glycine. This variant is not present in population databases (ExAC no frequency). This variant has not been reported in the literature in individuals with TWNK-related conditions. Advanced modeling of protein sequence and biophysical properties (such as structural, functional, and spatial information, amino acid conservation, physicochemical variation, residue mobility, and thermodynamic stability) performed at Invitae indicates that this missense variant is not expected to disrupt TWNK protein function.

NM_021830.5(TWNK):c.2012C>G (p.Ala671Gly)

Gene: TWNK (twinkle mtDNA helicase; plus strand). Cytogenetic location: 10q24.31.
Variant type: single nucleotide variant.
Coding change: c.2012C>G on transcript NM_021830.5 (MANE Select); coding-DNA position 2012, C replaced by G.
Protein change: p.Ala671Gly; replaces alanine 671 with glycine.
Molecular consequence: missense variant. On other transcripts: 3 prime UTR variant (2), non-coding transcript variant (5).
Genome position (GRCh38, 1-based): chr10:100,993,467, C>G. VCF-style: chr10-100993467-C-G. GRCh37 (hg19) VCF-style: chr10-102753224-C-G.
Other names: c.*307C>G (NM_001163812.2, NM_001163814.2); c.650C>G, p.Ala217Gly (NM_001163813.2, NM_001368275.1); short protein forms A217G, A671G.
Identifiers: ClinVar variation 1488290 (VCV001488290.8), dbSNP rs747328996, ClinGen allele CA378212882.